The following is an entry in ClinVar:

ClinVar aggregate classification (germline): Uncertain significance (1 of 4 stars; one submission).

Conditions:
Hereditary cancer-predisposing syndrome. Also called: Neoplastic Syndromes, Hereditary; Tumor predisposition; Hereditary Cancer Syndrome; Hereditary neoplastic syndrome. Identifiers: Orphanet 140162, MedGen C0027672, MeSH D009386, MONDO:0015356.

Submission:

Ambry Genetics
Classification: Uncertain significance for Hereditary cancer-predisposing syndrome. Last evaluated: 2024-12-07. Review status: criteria provided, single submitter. Criteria: Ambry Variant Classification Scheme 2023. Collection method: clinical testing. Allele origin: germline.
Comment: The p.E92D variant (also known as c.276A>C), located in coding exon 3 of the RAD50 gene, results from an A to C substitution at nucleotide position 276. The glutamic acid at codon 92 is replaced by aspartic acid, an amino acid with highly similar properties. This amino acid position is conserved. In addition, this alteration is predicted to be tolerated by in silico analysis. Based on the available evidence, the clinical significance of this variant remains unclear.

NM_005732.4(RAD50):c.276A>C (p.Glu92Asp)

Gene: RAD50 (RAD50 double strand break repair protein; plus strand). Cytogenetic location: 5q31.1.
Variant type: single nucleotide variant.
Coding change: c.276A>C on transcript NM_005732.4 (MANE Select); coding-DNA position 276, A replaced by C.
Protein change: p.Glu92Asp; replaces glutamic acid 92 with aspartic acid.
Molecular consequence: missense variant.
Genome position (GRCh38, 1-based): chr5:132,575,839, A>C. VCF-style: chr5-132575839-A-C. GRCh37 (hg19) VCF-style: chr5-131911531-A-C.
Other names: short protein forms E92D.
Identifiers: ClinVar variation 3429535 (VCV003429535.1).